The following is an entry in ClinVar:

NM_014141.6(CNTNAP2):c.3476-15C>A

Gene: CNTNAP2 (contactin associated protein 2; plus strand). Cytogenetic location: 7q36.1.
Variant type: single nucleotide variant.
Coding change: c.3476-15C>A on transcript NM_014141.6 (MANE Select); 15 bases into the intron before coding-DNA position 3476, C replaced by A.
Molecular consequence: intron variant.
Genome position (GRCh38, 1-based): chr7:148,383,634, C>A. VCF-style: chr7-148383634-C-A. GRCh37 (hg19) VCF-style: chr7-148080726-C-A.
Identifiers: ClinVar variation 260349 (VCV000260349.19), dbSNP rs77706740, ClinGen allele CA4546680.

ClinVar aggregate classification (germline): Benign/Likely benign. Review status: criteria provided, multiple submitters, no conflicts (2 of 4 stars). 6 submissions from 6 submitters: Benign (4); Likely benign (2). Last evaluated 2026-02-03.

Conditions:
Cortical dysplasia-focal epilepsy syndrome (PTHSL1). Also called: Pitt-Hopkins-like syndrome 1. Identifiers: Orphanet 163681, Orphanet 221150, MedGen C2750246, MONDO:0012400, OMIM 610042.

Allele frequency attached by ClinVar (database versions not stated): 1000 Genomes Project 30x 0.00906; 1000 Genomes Project 0.00938; TOPMed 0.02193; ESP Exome Variant Server 0.02391; ExAC 0.02496; gnomAD exomes 0.02503 and 0.03222; gnomAD 0.02504 and 0.02606.
gnomAD v4.1: 50,692 of 1,613,952 alleles (3.1%); highest among the groups gnomAD compares: Non-Finnish European, 3.7%; 943 homozygotes.

Submissions (29):

Labcorp Genetics (formerly Invitae), Labcorp
Classification: Benign for Cortical dysplasia-focal epilepsy syndrome. Last evaluated: 2026-02-03. Review status: criteria provided, single submitter. Criteria: Invitae Variant Classification Sherloc (09022015). Collection method: clinical testing. Allele origin: germline.

Blueprint Genetics
Classification: Likely benign. Last evaluated: 2024-11-27. Review status: criteria provided, single submitter. Criteria: ACMG Guidelines, 2015. Collection method: clinical testing. Allele origin: germline.

Illumina Laboratory Services, Illumina
Classification: Benign for Cortical dysplasia-focal epilepsy syndrome. Last evaluated: 2018-01-12. Review status: criteria provided, single submitter. Criteria: ICSL Variant Classification Criteria 13 December 2019. Collection method: clinical testing. Allele origin: germline.
Comment: This variant was observed in the ICSL laboratory as part of a predisposition screen in an ostensibly healthy population. It had not been previously curated by ICSL or reported in the Human Gene Mutation Database (HGMD: prior to June 1st, 2018), and was therefore a candidate for classification through an automated scoring system. Utilizing variant allele frequency, disease prevalence and penetrance estimates, and inheritance mode, an automated score was calculated to assess if this variant is too frequent to cause the disease. Based on the score and internal cut-off values, a variant classified as benign is not then subjected to further curation. The score for this variant resulted in a classification of benign for this disease.

GeneDx
Classification: Benign. Last evaluated: 2015-03-03. Review status: criteria provided, single submitter. Criteria: GeneDx Variant Classification Process June 2021. Collection method: clinical testing. Allele origin: germline. Affected: yes.

Breakthrough Genomics
Classification: Likely benign. Review status: criteria provided, single submitter. Criteria: ACMG Guidelines, 2015. Collection method: not provided. Allele origin: germline. Inheritance: Autosomal recessive inheritance. Affected: yes.

PreventionGenetics, part of Exact Sciences
Classification: Benign. Review status: criteria provided, single submitter. Criteria: ACMG Guidelines, 2015. Collection method: clinical testing. Allele origin: germline.

Dr. Peter K. Rogan Lab, Western University
No classification provided (evidence only). Condition: Cervical cancer. Review status: no classification provided. Collection method: in vitro. Allele origin: not applicable. Functional consequence: retained intron. Not counted in ClinVar's aggregate classification.

Dr. Peter K. Rogan Lab, Western University
No classification provided (evidence only). Condition: Cervical cancer. Review status: no classification provided. Collection method: in vitro. Allele origin: not applicable. Functional consequence: retained intron. Not counted in ClinVar's aggregate classification.

Dr. Peter K. Rogan Lab, Western University
No classification provided (evidence only). Condition: Thymoma. Review status: no classification provided. Collection method: in vitro. Allele origin: not applicable. Functional consequence: retained intron. Not counted in ClinVar's aggregate classification.

Dr. Peter K. Rogan Lab, Western University
No classification provided (evidence only). Condition: Thymoma. Review status: no classification provided. Collection method: in vitro. Allele origin: not applicable. Functional consequence: retained intron. Not counted in ClinVar's aggregate classification.

Dr. Peter K. Rogan Lab, Western University
No classification provided (evidence only). Condition: Thymoma. Review status: no classification provided. Collection method: in vitro. Allele origin: not applicable. Functional consequence: retained intron. Not counted in ClinVar's aggregate classification.

Dr. Peter K. Rogan Lab, Western University
No classification provided (evidence only). Condition: Cholangiocarcinoma. Review status: no classification provided. Collection method: in vitro. Allele origin: not applicable. Functional consequence: retained intron. Not counted in ClinVar's aggregate classification.

Dr. Peter K. Rogan Lab, Western University
No classification provided (evidence only). Condition: Ovarian serous cystadenocarcinoma. Review status: no classification provided. Collection method: in vitro. Allele origin: not applicable. Functional consequence: retained intron. Not counted in ClinVar's aggregate classification.

Dr. Peter K. Rogan Lab, Western University
No classification provided (evidence only). Condition: Gastric cancer. Review status: no classification provided. Collection method: in vitro. Allele origin: not applicable. Functional consequence: retained intron. Not counted in ClinVar's aggregate classification.

Dr. Peter K. Rogan Lab, Western University
No classification provided (evidence only). Condition: Gastric cancer. Review status: no classification provided. Collection method: in vitro. Allele origin: not applicable. Functional consequence: retained intron. Not counted in ClinVar's aggregate classification.

Dr. Peter K. Rogan Lab, Western University
No classification provided (evidence only). Condition: Gastric cancer. Review status: no classification provided. Collection method: in vitro. Allele origin: not applicable. Functional consequence: retained intron. Not counted in ClinVar's aggregate classification.

Dr. Peter K. Rogan Lab, Western University
No classification provided (evidence only). Condition: Germ cell tumor of testis. Review status: no classification provided. Collection method: in vitro. Allele origin: not applicable. Functional consequence: retained intron. Not counted in ClinVar's aggregate classification.

Dr. Peter K. Rogan Lab, Western University
No classification provided (evidence only). Condition: Malignant tumor of esophagus. Review status: no classification provided. Collection method: in vitro. Allele origin: not applicable. Functional consequence: retained intron. Not counted in ClinVar's aggregate classification.

Dr. Peter K. Rogan Lab, Western University
No classification provided (evidence only). Condition: Chronic lymphocytic leukemia/small lymphocytic lymphoma. Review status: no classification provided. Collection method: in vitro. Allele origin: not applicable. Functional consequence: retained intron. Not counted in ClinVar's aggregate classification.

Dr. Peter K. Rogan Lab, Western University
No classification provided (evidence only). Condition: Chronic lymphocytic leukemia/small lymphocytic lymphoma. Review status: no classification provided. Collection method: in vitro. Allele origin: not applicable. Functional consequence: retained intron. Not counted in ClinVar's aggregate classification.

Dr. Peter K. Rogan Lab, Western University
No classification provided (evidence only). Condition: Chronic lymphocytic leukemia/small lymphocytic lymphoma. Review status: no classification provided. Collection method: in vitro. Allele origin: not applicable. Functional consequence: retained intron. Not counted in ClinVar's aggregate classification.

Dr. Peter K. Rogan Lab, Western University
No classification provided (evidence only). Condition: Chronic lymphocytic leukemia/small lymphocytic lymphoma. Review status: no classification provided. Collection method: in vitro. Allele origin: not applicable. Functional consequence: retained intron. Not counted in ClinVar's aggregate classification.

Dr. Peter K. Rogan Lab, Western University
No classification provided (evidence only). Condition: Chronic lymphocytic leukemia/small lymphocytic lymphoma. Review status: no classification provided. Collection method: in vitro. Allele origin: not applicable. Functional consequence: retained intron. Not counted in ClinVar's aggregate classification.

Dr. Peter K. Rogan Lab, Western University
No classification provided (evidence only). Condition: Chronic lymphocytic leukemia/small lymphocytic lymphoma. Review status: no classification provided. Collection method: in vitro. Allele origin: not applicable. Functional consequence: retained intron. Not counted in ClinVar's aggregate classification.

Dr. Peter K. Rogan Lab, Western University
No classification provided (evidence only). Condition: Nonpapillary renal cell carcinoma. Review status: no classification provided. Collection method: in vitro. Allele origin: not applicable. Functional consequence: retained intron. Not counted in ClinVar's aggregate classification.

Dr. Peter K. Rogan Lab, Western University
No classification provided (evidence only). Condition: Familial pancreatic carcinoma. Review status: no classification provided. Collection method: in vitro. Allele origin: not applicable. Functional consequence: retained intron. Not counted in ClinVar's aggregate classification.

Dr. Peter K. Rogan Lab, Western University
No classification provided (evidence only). Condition: Lymphoma. Review status: no classification provided. Collection method: in vitro. Allele origin: not applicable. Functional consequence: retained intron. Not counted in ClinVar's aggregate classification.

Dr. Peter K. Rogan Lab, Western University
No classification provided (evidence only). Condition: Lymphoma. Review status: no classification provided. Collection method: in vitro. Allele origin: not applicable. Functional consequence: retained intron. Not counted in ClinVar's aggregate classification.

Dr. Peter K. Rogan Lab, Western University
No classification provided (evidence only). Condition: Lymphoma. Review status: no classification provided. Collection method: in vitro. Allele origin: not applicable. Functional consequence: retained intron. Not counted in ClinVar's aggregate classification.